The following is an entry in ClinVar:

ClinVar aggregate classification (germline): Pathogenic (1 of 4 stars; one submission).

Conditions:
Developmental and epileptic encephalopathy, 11 (DEE11). Also called: Early infantile epileptic encephalopathy 11. Identifiers: Orphanet 1934, MedGen C3150987, MONDO:0013388, OMIM 613721.

Submission:

Women's Health and Genetics/Laboratory Corporation of America, LabCorp
Classification: Pathogenic for Developmental and epileptic encephalopathy, 11. Last evaluated: 2024-05-23. Review status: criteria provided, single submitter. Criteria: LabCorp Variant Classification Summary - May 2015. Collection method: clinical testing. Allele origin: germline.
Comment: Variant summary: The variant involves the deletion of exons 2-15 in the SCN2A gene. A presumed nomenclature of c.(-52+1_-51-1)_(2562+1_2563-1)del has been designated for the purposes of this classification. It is predicted to remove the initiation codon in exon 2 and result in an absence of protein or a truncation of the encoded protein due to translation initiation at a downstream site. The variant was absent in 21694 control chromosomes (gnomAD SV v2 dataset). To our knowledge, no occurrence of c.(-52+1_-51-1)_(2562+1_2563-1)del in individuals affected with Early Infantile Epileptic Encephalopathy 11 and no experimental evidence demonstrating its impact on protein function have been reported. No submitters have cited clinical-significance assessments for this variant to ClinVar. Based on the evidence outlined above, the variant was classified as pathogenic.

NC_000002.11:g.(166150646_166152282)_(166198980_166201064)del

Gene: SCN2A (sodium voltage-gated channel alpha subunit 2; plus strand). Cytogenetic location: 2q24.3.
Variant type: Deletion.
Identifiers: ClinVar variation 3336406 (VCV003336406.1).